The following is an entry in ClinVar:

NM_003070.5(SMARCA2):c.3484C>G (p.Arg1162Gly)

Gene: SMARCA2 (SWI/SNF related BAF chromatin remodeling complex subunit ATPase 2; plus strand). Cytogenetic location: 9p24.3.
Variant type: single nucleotide variant.
Coding change: c.3484C>G on transcript NM_003070.5 (MANE Select); coding-DNA position 3484, C replaced by G.
Protein change: p.Arg1162Gly; replaces arginine 1162 with glycine.
Molecular consequence: missense variant.
Genome position (GRCh38, 1-based): chr9:2,115,849, C>G. VCF-style: chr9-2115849-C-G. GRCh37 (hg19) VCF-style: chr9-2115849-C-G.
Other names: c.3484C>G, p.Arg1162Gly (NM_001289396.2, NM_139045.4); c.3310C>G, p.Arg1104Gly (NM_001289397.2); short protein forms R1104G, R1162G.
Identifiers: ClinVar variation 4293720 (VCV004293720.1).

ClinVar aggregate classification (germline): Likely pathogenic (1 of 4 stars; one submission).

Conditions:
Nicolaides-Baraitser syndrome (NCBRS). Also called: Intellectual disability-sparse hair-brachydactyly syndrome; SMARCA2-Related Nicolaides-Baraitser Syndrome. Identifiers: Orphanet 3051, MedGen C1303073, MONDO:0011053, OMIM 601358.

Submission:

3billion
Classification: Likely pathogenic for Nicolaides-Baraitser syndrome. Last evaluated: 2025-02-03. Review status: criteria provided, single submitter. Criteria: ACMG Guidelines, 2015. Collection method: clinical testing. Allele origin: germline. Affected: yes.
Comment: The variant is not observed in the gnomAD v4.1.0 dataset. Predicted Consequence/Location: The variant is located in a mutational hot spot and/or well-established functional domain in which established pathogenic variants have been reported. Missense variant. Missense changes are a common disease-causing mechanism. In silico tool predictions suggest damaging effect of the variant on gene or gene product [REVEL: 0.93 (>=0.6, sensitivity 0.68 and specificity 0.92); 3Cnet: 0.99 (>=0.6, sensitivity 0.72 and precision 0.9)]. Different missense changes at the same codon (p.Arg1162Cys, p.Arg1162His, p.Arg1162Ser) have been reported as pathogenic/likely pathogenic with strong evidence (ClinVar ID: VCV000030014, VCV000373431, VCV001804427 /PMID: 22366787, 25169058 /3billion dataset). Therefore, this variant is classified as Likely pathogenic according to the recommendation of ACMG/AMP guideline.

Literature cited by the submitters: PubMed 22366787.